The following is an entry in ClinVar:

NM_001376256.1(CRYM):c.108C>A (p.Ser36Arg)

Genes: CRYM (crystallin mu; minus strand), LOC130058620 (ATAC-STARR-seq lymphoblastoid active region 10553; plus strand). Cytogenetic location: 16p12.2.
Variant type: single nucleotide variant.
Coding change: c.108C>A on transcript NM_001376256.1 (MANE Select); coding-DNA position 108, C replaced by A.
Protein change: p.Ser36Arg; replaces serine 36 with arginine.
Molecular consequence: missense variant.
Genome position (GRCh38, 1-based): chr16:21,278,144, G>T on the plus strand (C>A on the coding strand, the complement: CRYM is on the minus strand). VCF-style: chr16-21278144-G-T. GRCh37 (hg19) VCF-style: chr16-21289465-G-T.
Other names: c.108C>A, p.Ser36Arg (NM_001888.5); short protein forms S36R.
Identifiers: ClinVar variation 178331 (VCV000178331.39), dbSNP rs147233841, ClinGen allele CA182124.

ClinVar aggregate classification (germline): Conflicting classifications of pathogenicity. Review status: criteria provided, conflicting classifications (1 of 4 stars). 6 submissions from 6 submitters: Uncertain significance (2); Likely benign (4). Last evaluated 2025-11-11.

Conditions:
CRYM-related disorder. Also called: CRYM-related condition.

Allele frequency attached by ClinVar (database versions not stated): ExAC 0.00015; 1000 Genomes Project 30x 0.00016; 1000 Genomes Project 0.00020; ESP Exome Variant Server 0.00024; gnomAD 0.00028 and 0.00029; TOPMed 0.00028; gnomAD exomes 0.00031.
gnomAD v4.1: 761 of 1,551,168 alleles (0.049%); highest among the groups gnomAD compares: Middle Eastern, 0.12%; 1 homozygote.

Submissions (6):

PreventionGenetics, part of Exact Sciences
Classification: Likely benign for CRYM-related condition. Last evaluated: 2025-11-11. Review status: criteria provided, single submitter. Criteria: ACMG Guidelines, 2015. Collection method: clinical testing. Allele origin: germline.
Comment: This variant is classified as likely benign based on ACMG/AMP sequence variant interpretation guidelines (Richards et al. 2015 PMID: 25741868, with internal and published modifications).

Labcorp Genetics (formerly Invitae), Labcorp
Classification: Uncertain significance. Last evaluated: 2025-07-03. Review status: criteria provided, single submitter. Criteria: Invitae Variant Classification Sherloc (09022015). Collection method: clinical testing. Allele origin: germline.
Comment: This sequence change replaces serine, which is neutral and polar, with arginine, which is basic and polar, at codon 36 of the CRYM protein (p.Ser36Arg). This variant is present in population databases (rs147233841, gnomAD 0.05%). This missense change has been observed in individual(s) with deafness (PMID: 36056583). ClinVar contains an entry for this variant (Variation ID: 178331). Invitae Evidence Modeling of protein sequence and biophysical properties (such as structural, functional, and spatial information, amino acid conservation, physicochemical variation, residue mobility, and thermodynamic stability) indicates that this missense variant is not expected to disrupt CRYM protein function with a negative predictive value of 80%. In summary, the available evidence is currently insufficient to determine the role of this variant in disease. Therefore, it has been classified as a Variant of Uncertain Significance.

Blueprint Genetics
Classification: Likely benign. Last evaluated: 2024-10-30. Review status: criteria provided, single submitter. Criteria: ACMG Guidelines, 2015. Collection method: clinical testing. Allele origin: germline.

CeGaT Center for Human Genetics Tuebingen
Classification: Likely benign. Last evaluated: 2023-01-01. Review status: criteria provided, single submitter. Criteria: CeGaT Center For Human Genetics Tuebingen Variant Classification Criteria Version 2. Collection method: clinical testing. Allele origin: germline. Affected: yes. Observed: 1 variant allele.
Comment: CRYM: BS2

GeneDx
Classification: Likely benign. Last evaluated: 2017-12-05. Review status: criteria provided, single submitter. Criteria: GeneDx Variant Classification (06012015). Collection method: clinical testing. Allele origin: germline. Affected: yes.
Comment: This variant is considered likely benign or benign based on one or more of the following criteria: it is a conservative change, it occurs at a poorly conserved position in the protein, it is predicted to be benign by multiple in silico algorithms, and/or has population frequency not consistent with disease.

Laboratory for Molecular Medicine, Mass General Brigham Personalized Medicine
Classification: Uncertain significance. Last evaluated: 2013-07-26. Review status: criteria provided, single submitter. Criteria: LMM Criteria. Collection method: clinical testing. Allele origin: germline. Observed: 1 variant allele.
Comment: The Ser36Arg variant in CRYM has not been reported in individuals with hearing l oss, but has been identified in 0.03% (4/8420) of European American chromosomes by the NHLBI Exome Sequencing Project (dbSNP rs147233841). Although this variant has been seen in the general population, its frequency is not high enough to rule out a pathogenic role. Computational analy ses (biochemical amino acid properties, conservation, AlignGVGD, PolyPhen2, and SIFT) suggest that the Ser36Arg variant may not impact the protein, though this information is not predictive enough to rule out pathogenicity. The variant is c onserved in chimp, dog, cat, cow and frog but not in mouse and chicken. In summa ry, additional data is needed to determine the clinical significance of this var iant.

Literature cited by the submitters: PubMed 36056583 (cited by Labcorp Genetics (formerly Invitae), Labcorp).